The following is an entry in ClinVar:

NM_001165963.4(SCN1A):c.5126C>T (p.Thr1709Ile)

Genes: SCN1A (sodium voltage-gated channel alpha subunit 1; minus strand), LOC102724058 (uncharacterized LOC102724058; plus strand). Cytogenetic location: 2q24.3.
Variant type: single nucleotide variant.
Coding change: c.5126C>T on transcript NM_001165963.4 (MANE Select); coding-DNA position 5126, C replaced by T.
Protein change: p.Thr1709Ile; replaces threonine 1709 with isoleucine.
Molecular consequence: missense variant. On other transcripts: non-coding transcript variant (1).
Genome position (GRCh38, 1-based): chr2:165,992,149, G>A on the plus strand (C>T on the coding strand, the complement: SCN1A is on the minus strand). VCF-style: chr2-165992149-G-A. GRCh37 (hg19) VCF-style: chr2-166848659-G-A.
Other names: c.5042C>T, p.Thr1681Ile (NM_001165964.3, NM_001353957.2, NM_001353958.2); c.5126C>T, p.Thr1709Ile (NM_001202435.3, NM_001353948.2); c.5093C>T, p.Thr1698Ile (NM_001353949.2, NM_001353950.2, NM_001353951.2 and 2 more transcripts); c.5090C>T, p.Thr1697Ile (NM_001353954.2, NM_001353955.2); c.5039C>T, p.Thr1680Ile (NM_001353960.2); c.2684C>T, p.Thr895Ile (NM_001353961.2); short protein forms T1709I, T1698I, T1681I, T1680I, T1697I, T895I.
Identifiers: ClinVar variation 12894 (VCV000012894.12), dbSNP rs121918629, ClinGen allele CA256611.

ClinVar aggregate classification (germline): Pathogenic. Review status: criteria provided, single submitter (1 of 4 stars). 4 submissions from 3 submitters: Pathogenic (1). 3 of the submissions do not count toward it. Last evaluated 2024-04-25.

Conditions:
Early-infantile DEE. Also called: Early infantile epileptic encephalopathy with suppression bursts; Early infantile epileptic encephalopathy; Ohtahara syndrome. Identifiers: Orphanet 1934, MedGen C0393706, MONDO:0800491.
Generalized epilepsy with febrile seizures plus, type 2 (GEFSP2). Also called: GEFS+, TYPE 2. Identifiers: Orphanet 36387, MedGen C1858673, MONDO:0011461, OMIM 604403.
Severe myoclonic epilepsy in infancy (DRVT). Also called: Epileptic encephalopathy, early infantile, 6 (Dravet syndrome); Dravet syndrome; SEVERE MYOCLONIC EPILEPSY OF INFANCY; DEVELOPMENTAL AND EPILEPTIC ENCEPHALOPATHY 6A; Severe Myoclonic Epilepsy in Infancy (SMEI). Identifiers: Orphanet 33069, MedGen C0751122, MONDO:0100135, OMIM 607208.

Submissions (5):

Labcorp Genetics (formerly Invitae), Labcorp
Classification: Pathogenic for Early-infantile DEE. Last evaluated: 2024-04-25. Review status: criteria provided, single submitter. Criteria: Invitae Variant Classification Sherloc (09022015). Collection method: clinical testing. Allele origin: germline.
Comment: This sequence change replaces threonine, which is neutral and polar, with isoleucine, which is neutral and non-polar, at codon 1709 of the SCN1A protein (p.Thr1709Ile). This variant is not present in population databases (gnomAD no frequency). This missense change has been observed in individual(s) with generalized epilepsy with febrile seizures plus (GEFS+) or Dravet syndrome (PMID: 12566275, 15277629, 35087721). In at least one individual the variant was observed to be de novo. ClinVar contains an entry for this variant (Variation ID: 12894). Advanced modeling of protein sequence and biophysical properties (such as structural, functional, and spatial information, amino acid conservation, physicochemical variation, residue mobility, and thermodynamic stability) performed at Invitae indicates that this missense variant is expected to disrupt SCN1A protein function with a positive predictive value of 95%. Experimental studies have shown that this missense change affects SCN1A function (PMID: 16210358). This variant disrupts the p.Thr1709 amino acid residue in SCN1A. Other variant(s) that disrupt this residue have been observed in individuals with SCN1A-related conditions (PMID: 28202706), which suggests that this may be a clinically significant amino acid residue. For these reasons, this variant has been classified as Pathogenic.

OMIM
Classification: Pathogenic for DRAVET SYNDROME. Last evaluated: 2003-03-01. Review status: no assertion criteria provided. Collection method: literature only. Allele origin: germline. Not counted in ClinVar's aggregate classification.

OMIM
Classification: Pathogenic for GENERALIZED EPILEPSY WITH FEBRILE SEIZURES PLUS, TYPE 2. Last evaluated: 2003-03-01. Review status: no assertion criteria provided. Collection method: literature only. Allele origin: germline. Not counted in ClinVar's aggregate classification.

Channelopathy-Associated Epilepsy Research Center
No classification provided (evidence only). Condition: Severe myoclonic epilepsy in infancy. Review status: no classification provided. Collection method: literature only. Allele origin: not applicable. Functional consequence: Absence of peak current. Not counted in ClinVar's aggregate classification.
ClinVar note: "not provided" was previously submitted as the classification for the variant. However, the classification appeared to be based only on an observation of functional data so it was converted to no classification on 2025-07-30.

UniProtKB/Swiss-Prot
No classification provided. Condition: Severe myoclonic epilepsy in infancy. Review status: no classification provided. Collection method: not provided. Allele origin: germline. Not counted in ClinVar's aggregate classification.
Comment: Intractable childhood epilepsy with generalized tonic-clonic seizures

Literature cited by the submitters: PubMed 12566275 (cited by Labcorp Genetics (formerly Invitae), Labcorp and OMIM); PubMed 15277629 (cited by Labcorp Genetics (formerly Invitae), Labcorp); PubMed 35087721 (cited by Labcorp Genetics (formerly Invitae), Labcorp); PubMed 16210358 (cited by Labcorp Genetics (formerly Invitae), Labcorp and Channelopathy-Associated Epilepsy Research Center); PubMed 28202706 (cited by Labcorp Genetics (formerly Invitae), Labcorp).